The following is an entry in ClinVar:

NM_006013.5(RPL10):c.232A>G (p.Lys78Glu)

Gene: RPL10 (ribosomal protein L10; plus strand). Cytogenetic location: Xq28.
Variant type: single nucleotide variant.
Coding change: c.232A>G on transcript NM_006013.5 (MANE Select); coding-DNA position 232, A replaced by G.
Protein change: p.Lys78Glu; replaces lysine 78 with glutamic acid.
Molecular consequence: missense variant.
Genome position (GRCh38, 1-based): chrX:154,399,844, A>G. VCF-style: chrX-154399844-A-G. GRCh37 (hg19) VCF-style: chrX-153628185-A-G.
Other names: c.232A>G, p.Lys78Glu (NM_001256577.2, NM_001303624.2, NM_001303625.1 and 1 more transcripts); c.124A>G, p.Lys42Glu (NM_001256580.2); short protein forms K78E, K42E.
Identifiers: ClinVar variation 430612 (VCV000430612.7), dbSNP rs1131692040, ClinGen allele CA415261190.

ClinVar aggregate classification (germline): Pathogenic. Review status: criteria provided, single submitter (1 of 4 stars). 3 submissions from 3 submitters: Pathogenic (1). 2 of the submissions do not count toward it. Last evaluated 2019-08-30.

Conditions:
Intellectual developmental disorder, X-linked, syndromic 35. Also called: Intellectual disability, X-linked, syndromic, 35. Identifiers: MedGen C4478383, MONDO:0030908, OMIM 300998.

Submissions (3):

GeneDx
Classification: Pathogenic. Last evaluated: 2019-08-30. Review status: criteria provided, single submitter. Criteria: GeneDx Variant Classification Process June 2021. Collection method: clinical testing. Allele origin: germline. Affected: yes.
Comment: Not observed in large population cohorts (Lek et al., 2016); Published functional studies using zebrafish models suggest a damaging effect where RPL10 suppression decreased head size which could be rescued by wildtype or other missense RPL10 but not by K78E (Brooks et al., 2014); In silico analysis, which includes protein predictors and evolutionary conservation, supports a deleterious effect; This variant is associated with the following publications: (PMID: 25316788, 30144322, 29066376)

OMIM
Classification: Pathogenic for INTELLECTUAL DEVELOPMENTAL DISORDER, X-LINKED, SYNDROMIC 35. Last evaluated: 2024-04-01. Review status: no assertion criteria provided. Collection method: literature only. Allele origin: germline. Not counted in ClinVar's aggregate classification.

Care4Rare-SOLVE, CHEO
Classification: Uncertain significance for Intellectual developmental disorder, X-linked, syndromic 35. Last evaluated: 2017-08-10. Review status: no assertion criteria provided. Collection method: research. Allele origin: de novo. Affected: yes. Study: Care4Rare. Not counted in ClinVar's aggregate classification.

Literature cited by the submitters: PubMed 25316788 (cited by OMIM).